The following is an entry in ClinVar:

NM_004522.3(KIF5C):c.2773C>G (p.Pro925Ala)

Gene: KIF5C (kinesin family member 5C; plus strand). Cytogenetic location: 2q23.2.
Variant type: single nucleotide variant.
Coding change: c.2773C>G on transcript NM_004522.3 (MANE Select); coding-DNA position 2773, C replaced by G.
Protein change: p.Pro925Ala; replaces proline 925 with alanine.
Molecular consequence: missense variant. On other transcripts: non-coding transcript variant (1).
Genome position (GRCh38, 1-based): chr2:149,011,575, C>G. VCF-style: chr2-149011575-C-G. GRCh37 (hg19) VCF-style: chr2-149868089-C-G.
Other names: short protein forms P925A.
Identifiers: ClinVar variation 3371770 (VCV003371770.3).

ClinVar aggregate classification (germline): Uncertain significance (1 of 4 stars; one submission).

Submission:

GeneDx
Classification: Uncertain significance. Last evaluated: 2025-08-22. Review status: criteria provided, single submitter. Criteria: GeneDx Variant Classification Process June 2021. Collection method: clinical testing. Allele origin: germline. Affected: yes.
Comment: Not observed at significant frequency in large population cohorts (gnomAD); In silico analysis supports that this missense variant has a deleterious effect on protein structure/function; Has not been previously published as pathogenic or benign to our knowledge